The following is an entry in ClinVar:

NM_002615.7(SERPINF1):c.43G>A (p.Gly15Arg)

Gene: SERPINF1 (serpin family F member 1; plus strand). Cytogenetic location: 17p13.3.
Variant type: single nucleotide variant.
Coding change: c.43G>A on transcript NM_002615.7 (MANE Select); coding-DNA position 43, G replaced by A.
Protein change: p.Gly15Arg; replaces glycine 15 with arginine.
Molecular consequence: missense variant. On other transcripts: intron variant (1).
Genome position (GRCh38, 1-based): chr17:1,766,953, G>A. VCF-style: chr17-1766953-G-A. GRCh37 (hg19) VCF-style: chr17-1670247-G-A.
Other names: c.43G>A, p.Gly15Arg (NM_001329903.2); c.-477-2899G>A (NM_001329904.2); c.43G>A (NM_002615.5, NM_002615.6); short protein forms G15R.
Identifiers: ClinVar variation 1436889 (VCV001436889.9), dbSNP rs747946206, ClinGen allele CA8274506.

ClinVar aggregate classification (germline): Uncertain significance. Review status: criteria provided, multiple submitters, no conflicts (2 of 4 stars). 3 submissions from 3 submitters: Uncertain significance (3). Last evaluated 2026-03-27.

Conditions:
Inborn genetic diseases. Identifiers: MedGen C0950123, MeSH D030342.
SERPINF1-related disorder. Also called: SERPINF1-related condition.

Allele frequency attached by ClinVar (database versions not stated): gnomAD exomes 0.00002; ExAC 0.00005; gnomAD 0.00005 and 0.00006.

Submissions (3):

PreventionGenetics, part of Exact Sciences
Classification: Uncertain significance for SERPINF1-related condition. Last evaluated: 2026-03-27. Review status: criteria provided, single submitter. Criteria: ACMG Guidelines, 2015. Collection method: clinical testing. Allele origin: germline.
Comment: The SERPINF1 c.43G>A variant is predicted to result in the amino acid substitution p.Gly15Arg. To our knowledge, this variant has not been reported in the literature. This variant is reported in 0.011% of alleles in individuals of African descent in gnomAD and is classified as uncertain in ClinVar (Variation ID: 1436889). At this time, the clinical significance of this variant is uncertain due to the absence of conclusive functional and genetic evidence.

Ambry Genetics
Classification: Uncertain significance for Inborn genetic diseases. Last evaluated: 2026-03-23. Review status: criteria provided, single submitter. Criteria: Ambry Variant Classification Scheme 2023. Collection method: clinical testing. Allele origin: germline.

Labcorp Genetics (formerly Invitae), Labcorp
Classification: Uncertain significance. Last evaluated: 2025-08-18. Review status: criteria provided, single submitter. Criteria: Invitae Variant Classification Sherloc (09022015). Collection method: clinical testing. Allele origin: germline.
Comment: This sequence change replaces glycine, which is neutral and non-polar, with arginine, which is basic and polar, at codon 15 of the SERPINF1 protein (p.Gly15Arg). The frequency data for this variant in the population databases is considered unreliable, as metrics indicate poor data quality at this position in the gnomAD database. This variant has not been reported in the literature in individuals affected with SERPINF1-related conditions. ClinVar contains an entry for this variant (Variation ID: 1436889). Experimental studies and prediction algorithms are not available or were not evaluated, and the functional significance of this variant is currently unknown. In summary, the available evidence is currently insufficient to determine the role of this variant in disease. Therefore, it has been classified as a Variant of Uncertain Significance.